The following is an entry in ClinVar:

NM_002185.5(IL7R):c.482_483del (p.Lys161fs)

Gene: IL7R (interleukin 7 receptor; plus strand). Cytogenetic location: 5p13.2.
Variant type: Deletion.
Coding change: c.482_483del on transcript NM_002185.5 (MANE Select); coding-DNA positions 482 to 483, 2 bases deleted (AA; older notation c.482_483delAA).
Protein change: p.Lys161fs; shifts the reading frame from lysine 161.
Molecular consequence: frameshift variant. On other transcripts: non-coding transcript variant (1).
Genome position (GRCh38, 1-based): chr5:35,871,158-35,871,159, AA deleted; deleting any 2 consecutive bases within chr5:35,871,156-35,871,159 gives the same sequence; the c. name uses the placement nearest the transcript's 3' end. VCF-style (leftmost placement, unchanged base first): chr5-35871155-TAA-T. GRCh37 (hg19) VCF-style: chr5-35871257-TAA-T.
Other names: c.482_483del, p.Lys161fs (NM_001410734.1, NM_001437963.1, NM_001437964.1); short protein forms K161fs.
Identifiers: ClinVar variation 4293060 (VCV004293060.1).
Genomic context (GRCh38, chr5:35,871,155, plus strand): 5'-GGGAAGGAGCCAATGACTTTGTGGTGACATTTAATACATCACACTTGCAAAAGAAGTATG[TAA>T]AAGTTTTAATGCACGATGTAGCTTACCGCCAGGAAAAGGATGAAAACAAATGGACGGTAT-3'

ClinVar aggregate classification (germline): Pathogenic (1 of 4 stars; one submission).

Conditions:
Immunodeficiency 104. Also called: Severe combined immunodeficiency, autosomal recessive, T cell-negative, B cell-positive, NK cell-positive; Severe Combined Immune Deficiency, Autosomal Recessive, TCell -Negative, B Cell-Positive, NK Cell-Positive, IL7R-Related; IMMUNODEFICIENCY 104, SEVERE COMBINED; SCID, AUTOSOMAL RECESSIVE, T CELL-NEGATIVE, B CELL-POSITIVE, NK CELL-POSITIVE. Identifiers: MedGen C5676890, MONDO:0012163, OMIM 608971.

Submission:

3billion
Classification: Pathogenic for Immunodeficiency 104. Last evaluated: 2024-12-29. Review status: criteria provided, single submitter. Criteria: ACMG Guidelines, 2015. Collection method: clinical testing. Allele origin: germline. Affected: yes.
Comment: The variant is not observed in the gnomAD v4.1.0 dataset. Predicted Consequence/Location: Frameshift: predicted to result in a loss or disruption of normal protein function through nonsense-mediated decay (NMD) or protein truncation. Multiple pathogenic variants are reported downstream of the variant. The variant has been reported to be associated with IL7R-related disorder (PMID: 33040328). Therefore, this variant is classified as Pathogenic according to the recommendation of ACMG/AMP guideline.

Literature cited by the submitters: PubMed 33040328.